The following is an entry in ClinVar:

ClinVar aggregate classification (germline): Pathogenic/Likely pathogenic. Review status: criteria provided, multiple submitters, no conflicts (2 of 4 stars). 3 submissions from 3 submitters: Pathogenic (2); Likely pathogenic (1). Last evaluated 2024-01-17.

Conditions:
Osteogenesis imperfecta type 8 (OI8). Identifiers: MedGen C1970458, MONDO:0012581, OMIM 610915.

Allele frequency attached by ClinVar (database versions not stated): ExAC 0.00001; gnomAD exomes 0.00001.
gnomAD v4.1: 8 of 1,614,012 alleles (0.0005%); highest among the groups gnomAD compares: Admixed American, 0.0033%; no homozygotes.

Submissions (3):

Fulgent Genetics
Classification: Likely pathogenic for Osteogenesis imperfecta type 8. Last evaluated: 2024-01-17. Review status: criteria provided, single submitter. Criteria: ACMG Guidelines, 2015. Collection method: clinical testing. Allele origin: germline.

Labcorp Genetics (formerly Invitae), Labcorp
Classification: Pathogenic for Osteogenesis imperfecta type 8. Last evaluated: 2021-12-30. Review status: criteria provided, single submitter. Criteria: Invitae Variant Classification Sherloc (09022015). Collection method: clinical testing. Allele origin: germline.
Comment: This sequence change creates a premature translational stop signal (p.Arg292*) in the P3H1 gene. It is expected to result in an absent or disrupted protein product. Loss-of-function variants in P3H1 are known to be pathogenic (PMID: 17277775, 18566967, 19088120, 22281939). This variant is present in population databases (rs773269078, gnomAD 0.006%). This variant has not been reported in the literature in individuals affected with P3H1-related conditions. ClinVar contains an entry for this variant (Variation ID: 631604). For these reasons, this variant has been classified as Pathogenic.

Department of Human Genetics, Medical Research Institute, Alexandria University
Classification: Pathogenic for Osteogenesis imperfecta type 8. Review status: criteria provided, single submitter. Criteria: ACMG Guidelines, 2015. Collection method: research. Allele origin: biparental. Inheritance: Autosomal recessive inheritance. Affected: yes.

Literature cited by the submitters: PubMed 17277775 (cited by Labcorp Genetics (formerly Invitae), Labcorp); PubMed 18566967 (cited by Labcorp Genetics (formerly Invitae), Labcorp); PubMed 19088120 (cited by Labcorp Genetics (formerly Invitae), Labcorp); PubMed 22281939 (cited by Labcorp Genetics (formerly Invitae), Labcorp).

NM_022356.4(P3H1):c.874C>T (p.Arg292Ter)

Gene: P3H1 (prolyl 3-hydroxylase 1; minus strand). Cytogenetic location: 1p34.2.
Variant type: single nucleotide variant.
Coding change: c.874C>T on transcript NM_022356.4 (MANE Select); coding-DNA position 874, C replaced by T.
Protein change: p.Arg292Ter; replaces arginine 292 with a stop codon.
Molecular consequence: nonsense.
Genome position (GRCh38, 1-based): chr1:42,758,918, G>A on the plus strand (C>T on the coding strand, the complement: P3H1 is on the minus strand). VCF-style: chr1-42758918-G-A. GRCh37 (hg19) VCF-style: chr1-43224589-G-A.
Other names: c.874C>T, p.Arg292Ter (NM_001146289.2, NM_001243246.2); short protein forms R292*.
Identifiers: ClinVar variation 631604 (VCV000631604.12), dbSNP rs773269078, ClinGen allele CA802049.